The following is an entry in ClinVar:

ClinVar aggregate classification (germline): Pathogenic/Likely pathogenic. Review status: criteria provided, multiple submitters, no conflicts (2 of 4 stars). 5 submissions from 5 submitters: Pathogenic (1); Likely pathogenic (3). 1 of the submissions does not count toward it. Last evaluated 2024-09-27.

Conditions:
Methylmalonic acidemia (MMA). Also called: Isolated Methylmalonic Acidemia. Identifiers: MedGen C0268583, MeSH C537358, MONDO:0002012, HP:0002912.
Methylmalonic aciduria, cblA type (MACA). Also called: Vitamin B12-responsive methylmalonic acidemia type cblA; Methylmalonic aciduria, vitamin B12-responsive; Methylmalonic aciduria, vitamin b12-responsive, due to defect in synthesis of adenosylcobalamin, cbla complementation type; MMA cbl A type; Methylmalonic acidemia cblA type. Identifiers: Orphanet 28, Orphanet 79310, MedGen C1855109, MONDO:0009613, OMIM 251100.

Submissions (5):

Natera, Inc.
Classification: Likely pathogenic for Methylmalonic aciduria cblA type. Last evaluated: 2024-09-27. Review status: criteria provided, single submitter. Criteria: Natera Variant Classification Schema (03/2026). Collection method: clinical testing. Allele origin: germline.
Comment: The c.411_414delTAAA variant in MMAA is a frameshift variant predicted to shift the reading frame beginning at codon 137 and leads to a stop codon 5 codons downstream. This variant is expected to result in nonsense mediated decay, truncation, or a dysfunctional protein product. This variant is rare in the general population with a frequency below the threshold expected for the associated phenotype(s). Given the available evidence, this variant is classified as Likely Pathogenic.

Baylor Genetics
Classification: Likely pathogenic for Methylmalonic aciduria, cblA type. Last evaluated: 2023-10-12. Review status: criteria provided, single submitter. Criteria: ACMG Guidelines, 2015. Collection method: clinical testing. Allele origin: unknown.

Women's Health and Genetics/Laboratory Corporation of America, LabCorp
Classification: Likely pathogenic for Methylmalonic acidemia. Last evaluated: 2023-02-01. Review status: criteria provided, single submitter. Criteria: LabCorp Variant Classification Summary - May 2015. Collection method: clinical testing. Allele origin: germline.
Comment: Variant summary: MMAA c.411_414delTAAA (p.Asn137LysfsX5) results in a premature termination codon, predicted to cause a truncation of the encoded protein or absence of the protein due to nonsense mediated decay, which are commonly known mechanisms for disease. Truncations downstream of this position have been classified as pathogenic by our laboratory. The variant was absent in 248738 control chromosomes (gnomAD). To our knowledge, no occurrence of c.411_414delTAAA in individuals affected with Methylmalonic Acidemia and no experimental evidence demonstrating its impact on protein function have been reported. Two ClinVar submitters have assessed the variant since 2014: one classified the variant as likely pathogenic, and one as pathogenic. Based on the evidence outlined above, the variant was classified as likely pathogenic.

Labcorp Genetics (formerly Invitae), Labcorp
Classification: Pathogenic for Methylmalonic aciduria, cblA type. Last evaluated: 2022-04-08. Review status: criteria provided, single submitter. Criteria: Invitae Variant Classification Sherloc (09022015). Collection method: clinical testing. Allele origin: germline.
Comment: This variant is not present in population databases (gnomAD no frequency). This sequence change creates a premature translational stop signal (p.Asn137Lysfs*5) in the MMAA gene. It is expected to result in an absent or disrupted protein product. Loss-of-function variants in MMAA are known to be pathogenic (PMID: 15523652, 15781192). This variant has not been reported in the literature in individuals affected with MMAA-related conditions. For these reasons, this variant has been classified as Pathogenic. ClinVar contains an entry for this variant (Variation ID: 550209).

Counsyl
Classification: Likely pathogenic for Methylmalonic aciduria, cblA type. Last evaluated: 2017-01-03. Review status: no assertion criteria provided. Collection method: clinical testing. Allele origin: unknown. Not counted in ClinVar's aggregate classification.

Literature cited by the submitters: PubMed 15523652 (cited by Labcorp Genetics (formerly Invitae), Labcorp); PubMed 15781192 (cited by Labcorp Genetics (formerly Invitae), Labcorp).

NM_172250.3(MMAA):c.411_414del (p.Asn137fs)

Gene: MMAA (metabolism of cobalamin associated A; plus strand). Cytogenetic location: 4q31.21.
Variant type: Deletion.
Coding change: c.411_414del on transcript NM_172250.3 (MANE Select); coding-DNA positions 411 to 414, 4 bases deleted (TAAA; older notation c.411_414delTAAA).
Protein change: p.Asn137fs; shifts the reading frame from asparagine 137.
Molecular consequence: frameshift variant.
Genome position (GRCh38, 1-based): chr4:145,639,550-145,639,553, TAAA deleted; deleting any 4 consecutive bases within chr4:145,639,547-145,639,553 gives the same sequence; the c. name uses the placement nearest the transcript's 3' end. VCF-style (leftmost placement, unchanged base first): chr4-145639546-CAAAT-C. GRCh37 (hg19) VCF-style: chr4-146560698-CAAAT-C.
Other names: short protein forms N137fs.
Identifiers: ClinVar variation 550209 (VCV000550209.10), dbSNP rs1553957931, ClinGen allele CA658823107.
Genomic context (GRCh38, chr4:145,639,546, plus strand): 5'-AGGAGTTAGCCCAGGTGCTTCTTCAGAAAGTATTACTTTACCACAGAGAACAAGAACAAT[CAAAT>C]AAAGGAAAACCACTAGCATTTCGAGTAGGTCAGTCTTTTTTGTGTGTTTTCTCAGTAAAT-3'